The following is an entry in ClinVar:

ClinVar aggregate classification (germline): Benign. Review status: criteria provided, multiple submitters, no conflicts (2 of 4 stars). 7 submissions from 7 submitters: Benign (7). Last evaluated 2026-01-26.

Conditions:
Combined immunodeficiency due to DOCK8 deficiency (HIES2). Also called: HIES autosomal recessive; Hyper-IgE recurrent infection syndrome, autosomal recessive; DOCK8 Deficiency; HYPER-IgE RECURRENT INFECTION SYNDROME 2, AUTOSOMAL RECESSIVE; HYPER-IgE SYNDROME 2, AUTOSOMAL RECESSIVE, WITH RECURRENT INFECTIONS. Identifiers: Orphanet 217390, MedGen C4722305, MONDO:0009478, OMIM 243700.

Allele frequency attached by ClinVar (database versions not stated): gnomAD exomes 0.00103; gnomAD 0.01091; TOPMed 0.01153; ESP Exome Variant Server 0.01176; 1000 Genomes Project 0.01418; 1000 Genomes Project 30x 0.01562.
gnomAD v4.1: 3,112 of 1,613,896 alleles (0.19%); highest among the groups gnomAD compares: African/African-American, 3.8%; 60 homozygotes.

Submissions (7):

Labcorp Genetics (formerly Invitae), Labcorp
Classification: Benign for Combined immunodeficiency due to DOCK8 deficiency. Last evaluated: 2026-01-26. Review status: criteria provided, single submitter. Criteria: Invitae Variant Classification Sherloc (09022015). Collection method: clinical testing. Allele origin: germline.

Women's Health and Genetics/Laboratory Corporation of America, LabCorp
Classification: Benign. Last evaluated: 2026-01-22. Review status: criteria provided, single submitter. Criteria: LabCorp Variant Classification Summary - May 2015. Collection method: clinical testing. Allele origin: germline.

Mayo Clinic Laboratories, Mayo Clinic
Classification: Benign. Last evaluated: 2020-09-10. Review status: criteria provided, single submitter. Criteria: ACMG Guidelines, 2015. Collection method: clinical testing. Allele origin: germline. Observed: 7 variant alleles.

Illumina Laboratory Services, Illumina
Classification: Benign for Combined immunodeficiency due to DOCK8 deficiency. Last evaluated: 2018-01-13. Review status: criteria provided, single submitter. Criteria: ICSL Variant Classification Criteria 13 December 2019. Collection method: clinical testing. Allele origin: germline.
Comment: This variant was observed in the ICSL laboratory as part of a predisposition screen in an ostensibly healthy population. It had not been previously curated by ICSL or reported in the Human Gene Mutation Database (HGMD: prior to June 1st, 2018), and was therefore a candidate for classification through an automated scoring system. Utilizing variant allele frequency, disease prevalence and penetrance estimates, and inheritance mode, an automated score was calculated to assess if this variant is too frequent to cause the disease. Based on the score and internal cut-off values, a variant classified as benign is not then subjected to further curation. The score for this variant resulted in a classification of benign for this disease.

GeneDx
Classification: Benign. Last evaluated: 2015-03-18. Review status: criteria provided, single submitter. Criteria: GeneDx Variant Classification (06012015). Collection method: clinical testing. Allele origin: germline. Affected: yes.
Comment: This variant is considered likely benign or benign based on one or more of the following criteria: it is a conservative change, it occurs at a poorly conserved position in the protein, it is predicted to be benign by multiple in silico algorithms, and/or has population frequency not consistent with disease.

Laboratory for Molecular Medicine, Mass General Brigham Personalized Medicine
Classification: Benign. Last evaluated: 2013-02-21. Review status: criteria provided, single submitter. Criteria: LMM Criteria. Collection method: clinical testing. Allele origin: germline. Observed: 1 variant allele.
Comment: His1667His in exon 39 of DOCK8: This variant is not expected to have clinical si gnificance because it does not alter an amino acid residue and is not located wi thin the splice consensus sequence. It has been identified in 3.5% (153/4406) of African American chromosomes from a broad population by the NHLBI Exome Sequenc ing Project (dbSNP rs35662752).

Breakthrough Genomics
Classification: Benign. Review status: criteria provided, single submitter. Criteria: ACMG Guidelines, 2015. Collection method: not provided. Allele origin: germline. Inheritance: Autosomal recessive inheritance. Affected: yes.

NM_203447.4(DOCK8):c.5001C>T (p.His1667=)

Gene: DOCK8 (dedicator of cytokinesis 8; plus strand). Cytogenetic location: 9p24.3.
Variant type: single nucleotide variant.
Coding change: c.5001C>T on transcript NM_203447.4 (MANE Select); coding-DNA position 5001, C replaced by T.
Protein change: p.His1667=; no amino-acid change (histidine 1667 retained).
Molecular consequence: synonymous variant.
Genome position (GRCh38, 1-based): chr9:434,897, C>T. VCF-style: chr9-434897-C-T. GRCh37 (hg19) VCF-style: chr9-434897-C-T.
Other names: p.His1667=; c.4701C>T, p.His1567= (NM_001190458.2); c.4797C>T, p.His1599= (NM_001193536.2).
Identifiers: ClinVar variation 163178 (VCV000163178.21), dbSNP rs35662752, ClinGen allele CA175871.